The following is an entry in ClinVar:

NM_000038.6(APC):c.2302C>T (p.His768Tyr)

Gene: APC (APC regulator of Wnt signaling pathway; plus strand). Cytogenetic location: 5q22.2.
Variant type: single nucleotide variant.
Coding change: c.2302C>T on transcript NM_000038.6 (MANE Select); coding-DNA position 2302, C replaced by T.
Protein change: p.His768Tyr; replaces histidine 768 with tyrosine.
Molecular consequence: missense variant. On other transcripts: non-coding transcript variant (2).
Genome position (GRCh38, 1-based): chr5:112,837,896, C>T. VCF-style: chr5-112837896-C-T. GRCh37 (hg19) VCF-style: chr5-112173593-C-T.
Other names: c.2302C>T (NM_000038.5); c.2302C>T, p.His768Tyr (NM_001127510.3, NM_001354895.2, NM_001407450.1); c.2248C>T, p.His750Tyr (NM_001127511.3); c.2356C>T, p.His786Tyr (NM_001354896.2, NM_001407447.1, NM_001407448.1 and 1 more transcripts); c.2332C>T, p.His778Tyr (NM_001354897.2); c.2227C>T, p.His743Tyr (NM_001354898.2); c.2218C>T, p.His740Tyr (NM_001354899.2); c.2179C>T, p.His727Tyr (NM_001354900.2); and 12 more; short protein forms H677Y, H685Y, H740Y, H778Y, H786Y, H796Y, H485Y, H639Y.
Identifiers: ClinVar variation 2841680 (VCV002841680.4), dbSNP rs1561576022, ClinGen allele CA16026378.

ClinVar aggregate classification (germline): Uncertain significance. Review status: criteria provided, multiple submitters, no conflicts (2 of 4 stars). 2 submissions from 2 submitters: Uncertain significance (2). Last evaluated 2026-03-17.

Conditions:
Hereditary cancer-predisposing syndrome. Also called: Hereditary neoplastic syndrome; Neoplastic Syndromes, Hereditary; Tumor predisposition; Hereditary Cancer Syndrome. Identifiers: Orphanet 140162, MedGen C0027672, MeSH D009386, MONDO:0015356.
Familial adenomatous polyposis 1 (FAP1). Also called: POLYPOSIS, ADENOMATOUS INTESTINAL; FAMILIAL ADENOMATOUS POLYPOSIS 1, ATTENUATED. Identifiers: MedGen C2713442, MONDO:0021056, OMIM 175100. Disease mechanism: loss of function.

Submissions (2):

Ambry Genetics
Classification: Uncertain significance for Hereditary cancer-predisposing syndrome. Last evaluated: 2026-03-17. Review status: criteria provided, single submitter. Criteria: Ambry Variant Classification Scheme 2023. Collection method: clinical testing. Allele origin: germline.
Comment: The p.H768Y variant (also known as c.2302C>T), located in coding exon 15 of the APC gene, results from a C to T substitution at nucleotide position 2302. The histidine at codon 768 is replaced by tyrosine, an amino acid with similar properties. This amino acid position is conserved. In addition, in silico predictors for this gene do not accurately predict pathogenicity. Based on the available evidence, the clinical significance of this variant remains unclear.

Labcorp Genetics (formerly Invitae), Labcorp
Classification: Uncertain significance for Familial adenomatous polyposis 1. Last evaluated: 2023-03-01. Review status: criteria provided, single submitter. Criteria: Invitae Variant Classification Sherloc (09022015). Collection method: clinical testing. Allele origin: germline.
Comment: Advanced modeling of protein sequence and biophysical properties (such as structural, functional, and spatial information, amino acid conservation, physicochemical variation, residue mobility, and thermodynamic stability) performed at Invitae indicates that this missense variant is not expected to disrupt APC protein function. In summary, the available evidence is currently insufficient to determine the role of this variant in disease. Therefore, it has been classified as a Variant of Uncertain Significance. This variant has not been reported in the literature in individuals affected with APC-related conditions. This variant is not present in population databases (gnomAD no frequency). This sequence change replaces histidine, which is basic and polar, with tyrosine, which is neutral and polar, at codon 768 of the APC protein (p.His768Tyr).